The following is an entry in ClinVar:

ClinVar aggregate classification (germline): Uncertain significance (1 of 4 stars; one submission).

Conditions:
Cardiovascular phenotype. Identifiers: MedGen CN230736.

gnomAD v4.1: 8 of 1,613,746 alleles (0.0005%); highest among the groups gnomAD compares: Non-Finnish European, 0.00068%; no homozygotes.

Submission:

Ambry Genetics
Classification: Uncertain significance for Cardiovascular phenotype. Last evaluated: 2025-05-20. Review status: criteria provided, single submitter. Criteria: Ambry Variant Classification Scheme 2023. Collection method: clinical testing. Allele origin: germline.
Comment: The c.6507G>A variant (also known as p.K2169K), located in coding exon 27 of the AKAP9 gene, results from a G to A substitution at nucleotide position 6507. This nucleotide substitution does not change the amino acid at codon 2169. However, this change occurs in the last base pair of coding exon 27, which makes it likely to have some effect on normal mRNA splicing. This nucleotide position is highly conserved in available vertebrate species. In silico splice site analysis predicts that this alteration will weaken the native splice donor site. The evidence for this gene-disease relationship is limited; therefore, the clinical significance of this alteration is unclear.

NM_005751.5(AKAP9):c.6507G>A (p.Lys2169=)

Gene: AKAP9 (A-kinase anchoring protein 9; plus strand). Cytogenetic location: 7q21.2.
Variant type: single nucleotide variant.
Coding change: c.6507G>A on transcript NM_005751.5 (MANE Select); coding-DNA position 6507, G replaced by A.
Protein change: p.Lys2169=; no amino-acid change (lysine 2169 retained).
Molecular consequence: synonymous variant. On other transcripts: intron variant (1).
Genome position (GRCh38, 1-based): chr7:92,070,206, G>A. VCF-style: chr7-92070206-G-A. GRCh37 (hg19) VCF-style: chr7-91699520-G-A.
Other names: c.1152G>A, p.Lys384= (NM_001379277.1); c.6483+24G>A (NM_147185.3).
Identifiers: ClinVar variation 4033324 (VCV004033324.1).